The following is an entry in ClinVar:

NC_000006.11:g.(?_80816411)_(80912949_?)del

Gene: BCKDHB (branched chain keto acid dehydrogenase E1 subunit beta; plus strand). Cytogenetic location: 6q14.1.
Variant type: Deletion.
Identifiers: ClinVar variation 3245952 (VCV003245952.1).

ClinVar aggregate classification (germline): Pathogenic (1 of 4 stars; one submission).

Conditions:
Maple syrup urine disease (MSUD). Identifiers: Orphanet 511, MedGen C0024776, MeSH D008375, MONDO:0009563. Disease mechanism: loss of function.

Submission:

Labcorp Genetics (formerly Invitae), Labcorp
Classification: Pathogenic for Maple syrup urine disease. Last evaluated: 2023-08-16. Review status: criteria provided, single submitter. Criteria: Invitae Variant Classification Sherloc (09022015). Collection method: clinical testing. Allele origin: unknown.
Comment: For these reasons, this variant has been classified as Pathogenic. This variant has not been reported in the literature in individuals affected with BCKDHB-related conditions. This variant is a gross deletion of the genomic region encompassing exon(s) 1-8 of the BCKDHB gene, which includes the initiator codon. This deletion extends beyond the assayed region for this gene and therefore may encompass additional genes. It is expected to result in an absent or disrupted protein product. Loss-of-function variants in BCKDHB are known to be pathogenic (PMID: 16786533, 22593002).

Literature cited by the submitters: PubMed 16786533; PubMed 22593002.